The following is an entry in ClinVar:

NM_003738.5(PTCH2):c.1090C>G (p.Gln364Glu)

Gene: PTCH2 (patched 2; minus strand). Cytogenetic location: 1p34.1.
Variant type: single nucleotide variant.
Coding change: c.1090C>G on transcript NM_003738.5 (MANE Select); coding-DNA position 1090, C replaced by G.
Protein change: p.Gln364Glu; replaces glutamine 364 with glutamic acid.
Molecular consequence: missense variant.
Genome position (GRCh38, 1-based): chr1:44,829,527, G>C on the plus strand (C>G on the coding strand, the complement: PTCH2 is on the minus strand). VCF-style: chr1-44829527-G-C. GRCh37 (hg19) VCF-style: chr1-45295199-G-C.
Other names: c.1090C>G, p.Gln364Glu (NM_001166292.2); short protein forms Q364E.
Identifiers: ClinVar variation 575345 (VCV000575345.15), dbSNP rs1315638429, ClinGen allele CA340104572.

ClinVar aggregate classification (germline): Uncertain significance. Review status: criteria provided, multiple submitters, no conflicts (2 of 4 stars). 3 submissions from 3 submitters: Uncertain significance (3). Last evaluated 2024-03-26.

Conditions:
Gorlin syndrome. Also called: Basal cell nevus syndrome; Nevoid Basal Cell Carcinoma Syndrome. Identifiers: Orphanet 377, MedGen C0004779, MONDO:0007187.

Allele frequency attached by ClinVar (database versions not stated): gnomAD exomes below 0.00001; gnomAD 0.00003 and 0.00004; TOPMed 0.00005.
gnomAD v4.1: 23 of 1,614,056 alleles (0.0014%); highest among the groups gnomAD compares: African/African-American, 0.0027%; no homozygotes.

Submissions (3):

Labcorp Genetics (formerly Invitae), Labcorp
Classification: Uncertain significance for Gorlin syndrome. Last evaluated: 2024-03-26. Review status: criteria provided, single submitter. Criteria: Invitae Variant Classification Sherloc (09022015). Collection method: clinical testing. Allele origin: germline.
Comment: This sequence change replaces glutamine, which is neutral and polar, with glutamic acid, which is acidic and polar, at codon 364 of the PTCH2 protein (p.Gln364Glu). This variant is present in population databases (no rsID available, gnomAD 0.004%). This variant has not been reported in the literature in individuals affected with PTCH2-related conditions. ClinVar contains an entry for this variant (Variation ID: 575345). Advanced modeling of protein sequence and biophysical properties (such as structural, functional, and spatial information, amino acid conservation, physicochemical variation, residue mobility, and thermodynamic stability) performed at Invitae indicates that this missense variant is not expected to disrupt PTCH2 protein function with a negative predictive value of 80%. In summary, the available evidence is currently insufficient to determine the role of this variant in disease. Therefore, it has been classified as a Variant of Uncertain Significance.

Ambry Genetics
Classification: Uncertain significance. Last evaluated: 2023-09-14. Review status: criteria provided, single submitter. Criteria: Ambry Variant Classification Scheme 2023. Collection method: clinical testing. Allele origin: germline.

Baylor Genetics
Classification: Uncertain significance for Basal cell nevus syndrome 1. Last evaluated: 2019-07-31. Review status: criteria provided, single submitter. Criteria: ACMG Guidelines, 2015. Collection method: clinical testing. Allele origin: maternal. Affected: yes. Study: CSER-TexasKidsCanSeq.
Comment: This variant was determined to be of uncertain significance according to ACMG Guidelines, 2015 [PMID:25741868].